The following is an entry in ClinVar:

ClinVar aggregate classification (germline): Conflicting classifications of pathogenicity. Review status: criteria provided, conflicting classifications (1 of 4 stars). 2 submissions from 2 submitters: Uncertain significance (1); Likely benign (1). Last evaluated 2026-08-01.

Allele frequency attached by ClinVar (database versions not stated): gnomAD 0.00002 and 0.00003; gnomAD exomes 0.00002 and 0.00003; TOPMed 0.00003.
gnomAD v4.1: 49 of 1,614,012 alleles (0.003%); highest among the groups gnomAD compares: Non-Finnish European, 0.0037%; no homozygotes.

Submissions (2):

CeGaT Center for Human Genetics Tuebingen
Classification: Uncertain significance. Last evaluated: 2026-08-01. Review status: criteria provided, single submitter. Criteria: CeGaT Center For Human Genetics Tuebingen Variant Classification Criteria Version 2. Collection method: clinical testing. Allele origin: germline. Affected: yes. Observed: 1 variant allele.
Comment: TECTA: PM2:Supporting, BP4

Labcorp Genetics (formerly Invitae), Labcorp
Classification: Likely benign. Last evaluated: 2024-03-28. Review status: criteria provided, single submitter. Criteria: Invitae Variant Classification Sherloc (09022015). Collection method: clinical testing. Allele origin: germline.

NM_005422.4(TECTA):c.6183G>A (p.Arg2061=)

Genes: TBCEL-TECTA (TBCEL-TECTA readthrough; plus strand), TECTA (tectorin alpha; plus strand). Cytogenetic location: 11q23.3.
Variant type: single nucleotide variant.
Coding change: c.6183G>A on transcript NM_005422.4 (MANE Select); coding-DNA position 6183, G replaced by A.
Protein change: p.Arg2061=; no amino-acid change (arginine 2061 retained).
Molecular consequence: synonymous variant.
Genome position (GRCh38, 1-based): chr11:121,189,100, G>A. VCF-style: chr11-121189100-G-A. GRCh37 (hg19) VCF-style: chr11-121059809-G-A.
Other names: c.7125G>A, p.Arg2375= (NM_001378761.1).
Identifiers: ClinVar variation 723569 (VCV000723569.6), dbSNP rs948665047, ClinGen allele CA229829171.
Genomic context (GRCh38, chr11:121,189,100, plus strand): 5'-TAATTGTGTGAAAATTTCCCCCTGGTATTCTGTCTTGCAGACTTGCCCACACAATTCCAG[G>A]ATTGCCACAGATTACACAAAAGAGCCCAAAGAACAGATCATTTCAGTGGGACCTATTAGG-3'
Protein context (NP_005413.2, residues 2051-2071): SCKITCPHNS[Arg2061=]IATDYTKEPK